The following is an entry in ClinVar:

NM_000603.5(NOS3):c.383G>A (p.Arg128Gln)

Gene: NOS3 (nitric oxide synthase 3; plus strand). Cytogenetic location: 7q36.1.
Variant type: single nucleotide variant.
Coding change: c.383G>A on transcript NM_000603.5 (MANE Select); coding-DNA position 383, G replaced by A.
Protein change: p.Arg128Gln; replaces arginine 128 with glutamine.
Molecular consequence: missense variant.
Genome position (GRCh38, 1-based): chr7:150,996,516, G>A. VCF-style: chr7-150996516-G-A. GRCh37 (hg19) VCF-style: chr7-150693604-G-A.
Other names: c.383G>A, p.Arg128Gln (NM_001160109.2, NM_001160110.1, NM_001160111.1); short protein forms R128Q.
Identifiers: ClinVar variation 775259 (VCV000775259.21), dbSNP rs148359917, ClinGen allele CA4566585.
Genomic context (GRCh38, chr7:150,996,516, plus strand): 5'-AACTACAGGGCCGGCCCTCCCCCGGCCCCCCGGCCCCTGAGCAGCTGCTGAGTCAGGCCC[G>A]GGACTTCATCAACCAGTACTACAGCTCCATTAAGAGGTGACAGCTTCCCGGACGCCACAG-3'
Protein context (NP_000594.2, residues 118-138): PAPEQLLSQA[Arg128Gln]DFINQYYSSI

ClinVar aggregate classification (germline): Benign. Review status: criteria provided, multiple submitters, no conflicts (2 of 4 stars). 3 submissions from 3 submitters: Benign (2). 1 of the submissions does not count toward it. Last evaluated 2024-08-01.

Conditions:
NOS3-related disorder. Also called: NOS3-related condition.

Allele frequency attached by ClinVar (database versions not stated): ESP Exome Variant Server 0.00023; TOPMed 0.00041; 1000 Genomes Project 30x 0.00047; 1000 Genomes Project 0.00060; gnomAD 0.00234.

Submissions (3):

CeGaT Center for Human Genetics Tuebingen
Classification: Benign. Last evaluated: 2024-08-01. Review status: criteria provided, single submitter. Criteria: CeGaT Center For Human Genetics Tuebingen Variant Classification Criteria Version 2. Collection method: clinical testing. Allele origin: germline. Affected: yes. Observed: 1 variant allele.
Comment: NOS3: BP4, BS1, BS2

Labcorp Genetics (formerly Invitae), Labcorp
Classification: Benign. Last evaluated: 2019-12-31. Review status: criteria provided, single submitter. Criteria: Invitae Variant Classification Sherloc (09022015). Collection method: clinical testing. Allele origin: germline.

PreventionGenetics, part of Exact Sciences
Classification: Likely benign for NOS3-related condition. Last evaluated: 2020-06-01. Review status: no assertion criteria provided. Collection method: clinical testing. Allele origin: germline. Not counted in ClinVar's aggregate classification.
Comment: This variant is classified as likely benign based on ACMG/AMP sequence variant interpretation guidelines (Richards et al. 2015 PMID: 25741868, with internal and published modifications).